The following is an entry in ClinVar:

ClinVar aggregate classification (germline): Pathogenic (1 of 4 stars; one submission).

Conditions:
Ataxia-telangiectasia syndrome (AT). Also called: ATAXIA-TELANGIECTASIA, COMPLEMENTATION GROUP A; ATAXIA-TELANGIECTASIA, FRESNO VARIANT; Ataxia-telangiectasia; Ataxia-telangiectasia, complementation group E; LOUIS-BAR SYNDROME; Cerebello-oculocutaneous telangiectasia. Identifiers: Orphanet 100, MedGen C0004135, MONDO:0008840, OMIM 208900.

Submission:

Labcorp Genetics (formerly Invitae), Labcorp
Classification: Pathogenic for Ataxia-telangiectasia syndrome. Last evaluated: 2023-04-30. Review status: criteria provided, single submitter. Criteria: Invitae Variant Classification Sherloc (09022015). Collection method: clinical testing. Allele origin: germline.
Comment: For these reasons, this variant has been classified as Pathogenic. This variant has not been reported in the literature in individuals affected with ATM-related conditions. This variant is not present in population databases (gnomAD no frequency). This sequence change creates a premature translational stop signal (p.Trp2205Leufs*12) in the ATM gene. It is expected to result in an absent or disrupted protein product. Loss-of-function variants in ATM are known to be pathogenic (PMID: 23807571, 25614872).

Literature cited by the submitters: PubMed 23807571; PubMed 25614872.

NM_000051.4(ATM):c.6612_6613insC (p.Trp2205fs)

Genes: C11orf65 (chromosome 11 open reading frame 65; minus strand), ATM (ATM serine/threonine kinase; plus strand). Cytogenetic location: 11q22.3.
Variant type: Insertion.
Coding change: c.6612_6613insC on transcript NM_000051.4 (MANE Select); coding-DNA positions 6612 to 6613, C inserted.
Protein change: p.Trp2205fs; shifts the reading frame from tryptophan 2205.
Molecular consequence: frameshift variant. On other transcripts: intron variant (2).
Genome position: GRCh38 VCF-style: chr11-108325349-G-GC. GRCh37 (hg19) VCF-style: chr11-108196076-G-GC.
Other names: c.6612_6613insC, p.Trp2205fs (NM_001351834.2); c.641-16279_641-16278insG (NM_001330368.2); c.*38+9870_*38+9871insG (NM_001351110.2); short protein forms W2205fs.
Identifiers: ClinVar variation 2860675 (VCV002860675.3), dbSNP rs2547200504, ClinGen allele CA2739265980.